The following is an entry in ClinVar:

NM_004186.5(SEMA3F):c.1937G>A (p.Arg646Gln)

Gene: SEMA3F (semaphorin 3F; plus strand). Cytogenetic location: 3p21.31.
Variant type: single nucleotide variant.
Coding change: c.1937G>A on transcript NM_004186.5 (MANE Select); coding-DNA position 1937, G replaced by A.
Protein change: p.Arg646Gln; replaces arginine 646 with glutamine.
Molecular consequence: missense variant.
Genome position (GRCh38, 1-based): chr3:50,186,736, G>A. VCF-style: chr3-50186736-G-A. GRCh37 (hg19) VCF-style: chr3-50224169-G-A.
Other names: c.1640G>A, p.Arg547Gln (NM_001318798.2); c.1844G>A, p.Arg615Gln (NM_001318800.2); short protein forms R547Q, R615Q, R646Q.
Identifiers: ClinVar variation 3353879 (VCV003353879.1).

ClinVar aggregate classification (germline): Uncertain significance (0 of 4 stars; one submission).

Conditions:
SEMA3F-related disorder. Also called: SEMA3F-related condition.

gnomAD v4.1: 9 of 1,599,872 alleles (0.00056%); highest among the groups gnomAD compares: Non-Finnish European, 0.00043%; no homozygotes.

Submission:

PreventionGenetics, part of Exact Sciences
Classification: Uncertain significance for SEMA3F-related condition. Last evaluated: 2024-04-17. Review status: no assertion criteria provided. Collection method: clinical testing. Allele origin: germline.
Comment: The SEMA3F c.1937G>A variant is predicted to result in the amino acid substitution p.Arg646Gln. To our knowledge, this variant has not been reported in the literature or in a large population database, indicating this variant is rare. At this time, the clinical significance of this variant is uncertain due to the absence of conclusive functional and genetic evidence.